The following is an entry in ClinVar:

ClinVar aggregate classification (germline): Benign/Likely benign. Review status: criteria provided, multiple submitters, no conflicts (2 of 4 stars). 2 submissions from 2 submitters: Benign (1); Likely benign (1). Last evaluated 2024-09-09.

Conditions:
Familial cancer of breast. Also called: BREAST CANCER, FAMILIAL; Hereditary breast cancer; hereditary breast carcinoma. Identifiers: Orphanet 227535, MedGen C0346153, MONDO:0016419, OMIM 114480. Disease mechanism: loss of function.
Hereditary cancer-predisposing syndrome. Also called: Neoplastic Syndromes, Hereditary; Tumor predisposition; Hereditary neoplastic syndrome; Hereditary Cancer Syndrome. Identifiers: Orphanet 140162, MedGen C0027672, MeSH D009386, MONDO:0015356.

Submissions (2):

Myriad Genetics, Inc.
Classification: Benign for Familial cancer of breast. Last evaluated: 2024-09-09. Review status: criteria provided, single submitter. Criteria: Myriad Autosomal Dominant, Autosomal Recessive and X-Linked Classification Criteria (2023). Collection method: clinical testing. Allele origin: unknown.
Comment: This variant is considered benign. This variant is a silent/synonymous amino acid change and it is not expected to impact splicing.

Ambry Genetics
Classification: Likely benign for Hereditary cancer-predisposing syndrome. Last evaluated: 2023-01-21. Review status: criteria provided, single submitter. Criteria: Ambry Variant Classification Scheme 2023. Collection method: clinical testing. Allele origin: germline.

NM_032043.3(BRIP1):c.2964C>A (p.Ser988=)

Gene: BRIP1 (BRCA1 interacting DNA helicase 1; minus strand). Cytogenetic location: 17q23.2.
Variant type: single nucleotide variant.
Coding change: c.2964C>A on transcript NM_032043.3 (MANE Select); coding-DNA position 2964, C replaced by A.
Protein change: p.Ser988=; no amino-acid change (serine 988 retained).
Molecular consequence: synonymous variant.
Genome position (GRCh38, 1-based): chr17:61,684,082, G>T on the plus strand (C>A on the coding strand, the complement: BRIP1 is on the minus strand). VCF-style: chr17-61684082-G-T. GRCh37 (hg19) VCF-style: chr17-59761443-G-T.
Identifiers: ClinVar variation 2449933 (VCV002449933.3), dbSNP rs2544561946, ClinGen allele CA501143294.